The following is an entry in ClinVar:

NM_000069.3(CACNA1S):c.1400C>T (p.Ala467Val)

Gene: CACNA1S (calcium voltage-gated channel subunit alpha1 S; minus strand). Cytogenetic location: 1q32.1.
Variant type: single nucleotide variant.
Coding change: c.1400C>T on transcript NM_000069.3 (MANE Select); coding-DNA position 1400, C replaced by T.
Protein change: p.Ala467Val; replaces alanine 467 with valine.
Molecular consequence: missense variant.
Genome position (GRCh38, 1-based): chr1:201,078,098, G>A on the plus strand (C>T on the coding strand, the complement: CACNA1S is on the minus strand). VCF-style: chr1-201078098-G-A. GRCh37 (hg19) VCF-style: chr1-201047226-G-A.
Other names: short protein forms A467V.
Identifiers: ClinVar variation 4792960 (VCV004792960.1).

ClinVar aggregate classification (germline): Uncertain significance (1 of 4 stars; one submission).

Conditions:
Hypokalemic periodic paralysis, type 1. Also called: HypoPP; Hypokalemic Periodic Paralysis Type 1 (AD). Identifiers: Orphanet 681, MedGen C3714580, MONDO:0042979, OMIM 170400.
Malignant hyperthermia, susceptibility to, 5 (MHS5). Also called: CACNA1S-Related Malignant Hyperthermia Susceptibility. Identifiers: Orphanet 423, MedGen C1866077, MONDO:0011163, OMIM 601887.

gnomAD v4.1: 1 of 1,613,648 alleles (0.000062%); highest among the groups gnomAD compares: Non-Finnish European, 0.000085%; no homozygotes.

Submission:

Labcorp Genetics (formerly Invitae), Labcorp
Classification: Uncertain significance for Hypokalemic periodic paralysis, type 1; Malignant hyperthermia, susceptibility to, 5. Last evaluated: 2025-03-10. Review status: criteria provided, single submitter. Criteria: Invitae Variant Classification Sherloc (09022015). Collection method: clinical testing. Allele origin: germline.
Comment: This sequence change replaces alanine, which is neutral and non-polar, with valine, which is neutral and non-polar, at codon 467 of the CACNA1S protein (p.Ala467Val). This variant is not present in population databases (gnomAD no frequency). This variant has not been reported in the literature in individuals affected with CACNA1S-related conditions. Invitae Evidence Modeling of protein sequence and biophysical properties (such as structural, functional, and spatial information, amino acid conservation, physicochemical variation, residue mobility, and thermodynamic stability) indicates that this missense variant is not expected to disrupt CACNA1S protein function with a negative predictive value of 95%. In summary, the available evidence is currently insufficient to determine the role of this variant in disease. Therefore, it has been classified as a Variant of Uncertain Significance.